The following is an entry in ClinVar:

ClinVar aggregate classification (germline): Uncertain significance (1 of 4 stars; one submission).

Submission:

Seattle Children's Hospital Molecular Genetics Laboratory, Seattle Children's Hospital
Classification: Uncertain significance. Review status: criteria provided, single submitter. Criteria: ACMG Guidelines, 2015. Collection method: clinical testing. Allele origin: germline. Affected: yes.
Comment: The p.Gly430Glu variant substitutes the glycine at amino acid position 430 with a glutamic acid. This variant is predicted to be damaging by in silico tools. The glycine at amino acid position 430 is a highly conserved site within the second actin-binding site (ABS2) domain of LMOD1. To our knowledge, this variant is absent from the medical literature, patient databases, and large population studies (gnomAD v4.0.0).

NM_012134.3(LMOD1):c.1289G>A (p.Gly430Glu)

Gene: LMOD1 (leiomodin 1; minus strand). Cytogenetic location: 1q32.1.
Variant type: single nucleotide variant.
Coding change: c.1289G>A on transcript NM_012134.3 (MANE Select); coding-DNA position 1289, G replaced by A.
Protein change: p.Gly430Glu; replaces glycine 430 with glutamic acid.
Molecular consequence: missense variant.
Genome position (GRCh38, 1-based): chr1:201,899,724, C>T on the plus strand (G>A on the coding strand, the complement: LMOD1 is on the minus strand). VCF-style: chr1-201899724-C-T. GRCh37 (hg19) VCF-style: chr1-201868852-C-T.
Other names: short protein forms G430E.
Identifiers: ClinVar variation 3340455 (VCV003340455.1).